The following is an entry in ClinVar:

NM_000159.4(GCDH):c.764C>A (p.Ser255Ter)

Gene: GCDH (glutaryl-CoA dehydrogenase; plus strand). Cytogenetic location: 19p13.13.
Variant type: single nucleotide variant.
Coding change: c.764C>A on transcript NM_000159.4 (MANE Select); coding-DNA position 764, C replaced by A.
Protein change: p.Ser255Ter; replaces serine 255 with a stop codon.
Molecular consequence: nonsense. On other transcripts: non-coding transcript variant (2).
Genome position (GRCh38, 1-based): chr19:12,896,333, C>A. VCF-style: chr19-12896333-C-A. GRCh37 (hg19) VCF-style: chr19-13007147-C-A.
Other names: c.764C>A, p.Ser255Ter (NM_013976.5); short protein forms S255*.
Identifiers: ClinVar variation 2780432 (VCV002780432.5), dbSNP rs758503371, ClinGen allele CA404318879.

ClinVar aggregate classification (germline): Pathogenic/Likely pathogenic. Review status: criteria provided, multiple submitters, no conflicts (2 of 4 stars). 3 submissions from 3 submitters: Pathogenic (1); Likely pathogenic (2). Last evaluated 2024-03-26.

Conditions:
Glutaric aciduria, type 1. Also called: GA I; Glutaricaciduria, type I; Glutaryl-CoA dehydrogenase deficiency; Glutaric acidemia type I; Glutaricacidemia Type 1; Glutaric Acidemia Type 1. Identifiers: Orphanet 25, MedGen C0268595, MONDO:0009281, OMIM 231670.

Submissions (3):

Fulgent Genetics
Classification: Likely pathogenic for Glutaric aciduria, type 1. Last evaluated: 2024-03-26. Review status: criteria provided, single submitter. Criteria: ACMG Guidelines, 2015. Collection method: clinical testing. Allele origin: germline.

Baylor Genetics
Classification: Likely pathogenic for Glutaric aciduria, type 1. Last evaluated: 2023-11-29. Review status: criteria provided, single submitter. Criteria: ACMG Guidelines, 2015. Collection method: clinical testing. Allele origin: unknown.

Labcorp Genetics (formerly Invitae), Labcorp
Classification: Pathogenic for Glutaric aciduria, type 1. Last evaluated: 2023-03-19. Review status: criteria provided, single submitter. Criteria: Invitae Variant Classification Sherloc (09022015). Collection method: clinical testing. Allele origin: germline.
Comment: For these reasons, this variant has been classified as Pathogenic. This premature translational stop signal has been observed in individual(s) with clinical features of glutaric acidemia type I (PMID: 34306040). This variant is not present in population databases (gnomAD no frequency). This sequence change creates a premature translational stop signal (p.Ser255*) in the GCDH gene. It is expected to result in an absent or disrupted protein product. Loss-of-function variants in GCDH are known to be pathogenic (PMID: 10699052, 11854167, 16602100).

Literature cited by the submitters: PubMed 34306040 (cited by Labcorp Genetics (formerly Invitae), Labcorp); PubMed 10699052 (cited by Labcorp Genetics (formerly Invitae), Labcorp); PubMed 11854167 (cited by Labcorp Genetics (formerly Invitae), Labcorp); PubMed 16602100 (cited by Labcorp Genetics (formerly Invitae), Labcorp).